The following is an entry in ClinVar:

ClinVar aggregate classification (germline): Uncertain significance (1 of 4 stars; one submission).

Conditions:
Cardiovascular phenotype. Identifiers: MedGen CN230736.

Submission:

Ambry Genetics
Classification: Uncertain significance for Cardiovascular phenotype. Last evaluated: 2024-03-11. Review status: criteria provided, single submitter. Criteria: Ambry Variant Classification Scheme 2023. Collection method: clinical testing. Allele origin: germline.
Comment: The c.-3_6delAAGATGGCG variant (also known as p.M1?) is located in the 5' untranslated region and coding exon 1 of the SNTA1 gene and results from a deletion at nucleotide position -3 to 6. This alters the methionine residue at the initiation codon. Sequence variations that modify the initiation codon (ATG) are expected to result in either loss of translation initiation, N-terminal truncation, or cause a shift in the mRNA reading frame. However, loss of function of SNTA1 has not been clearly established as a mechanism of disease. The evidence for this gene-disease relationship is limited; therefore, the clinical significance of this alteration is unclear.

NM_003098.3(SNTA1):c.-3_6del (p.Met1_Ala2del)

Genes: SNTA1 (syntrophin alpha 1; minus strand), LOC130065680 (ATAC-STARR-seq lymphoblastoid silent region 12812; plus strand). Cytogenetic location: 20q11.21.
Variant type: Deletion.
Coding change: c.-3_6del on transcript NM_003098.3 (MANE Select); 3 bases upstream of the start codon through coding-DNA position 6, 9 bases deleted (AAGATGGCG; older notation c.-3_6delAAGATGGCG).
Protein change: p.Met1_Ala2del.
Molecular consequence: inframe deletion, initiator codon variant.
Genome position (GRCh38, 1-based): chr20:33,443,615-33,443,623, CGCCATCTT deleted on the plus strand (AAGATGGCG on the coding strand, the reverse complement: SNTA1 is on the minus strand); deleting any 9 consecutive bases within chr20:33,443,615-33,443,627 gives the same sequence; the c. name uses the placement nearest the transcript's 3' end. VCF-style (leftmost placement, unchanged base first): chr20-33443614-ACGCCATCTT-A. GRCh37 (hg19) VCF-style: chr20-32031420-ACGCCATCTT-A.
Other names: c.-3_6delAAGATGGCG (NM_003098.2).
Identifiers: ClinVar variation 519527 (VCV000519527.6), dbSNP rs1555822209, ClinGen allele CA658799353.